The following is an entry in ClinVar:

NM_016423.3(ZNF219):c.1623C>G (p.Leu541=)

Gene: ZNF219 (zinc finger protein 219; minus strand). Cytogenetic location: 14q11.2.
Variant type: single nucleotide variant.
Coding change: c.1623C>G on transcript NM_016423.3 (MANE Select); coding-DNA position 1623, C replaced by G.
Protein change: p.Leu541=; no amino-acid change (leucine 541 retained).
Molecular consequence: synonymous variant.
Genome position (GRCh38, 1-based): chr14:21,091,082, G>C on the plus strand (C>G on the coding strand, the complement: ZNF219 is on the minus strand). VCF-style: chr14-21091082-G-C. GRCh37 (hg19) VCF-style: chr14-21559241-G-C.
Other names: c.1623C>G, p.Leu541= (NM_001101672.2, NM_001102454.2).
Identifiers: ClinVar variation 2644056 (VCV002644056.24), dbSNP rs45524331, ClinGen allele CA7087542.

ClinVar aggregate classification (germline): Likely benign (1 of 4 stars; one submission).

Allele frequency attached by ClinVar (database versions not stated): 1000 Genomes Project 30x 0.00281; TOPMed 0.00447; ESP Exome Variant Server 0.00502; 1000 Genomes Project 0.00260.
gnomAD v4.1: 12,027 of 1,571,172 alleles (0.77%); highest among the groups gnomAD compares: Non-Finnish European, 0.92%; 53 homozygotes.

Submission:

CeGaT Center for Human Genetics Tuebingen
Classification: Likely benign. Last evaluated: 2022-11-01. Review status: criteria provided, single submitter. Criteria: CeGaT Center For Human Genetics Tuebingen Variant Classification Criteria Version 2. Collection method: clinical testing. Allele origin: germline. Affected: yes. Observed: 1 variant allele.
Comment: ZNF219: BP4, BS2